The following is an entry in ClinVar:

ClinVar aggregate classification (germline): Uncertain significance (1 of 4 stars; one submission).

Conditions:
Bardet-Biedl syndrome (BBS). Identifiers: Orphanet 110, MedGen C0752166, MONDO:0015229.

Submission:

Labcorp Genetics (formerly Invitae), Labcorp
Classification: Uncertain significance for Bardet-Biedl syndrome. Last evaluated: 2022-03-19. Review status: criteria provided, single submitter. Criteria: Invitae Variant Classification Sherloc (09022015). Collection method: clinical testing. Allele origin: germline.
Comment: In summary, the available evidence is currently insufficient to determine the role of this variant in disease. Therefore, it has been classified as a Variant of Uncertain Significance. Algorithms developed to predict the effect of missense changes on protein structure and function are either unavailable or do not agree on the potential impact of this missense change (SIFT: "Deleterious"; PolyPhen-2: "Probably Damaging"; Align-GVGD: "Class C0"). This variant has not been reported in the literature in individuals affected with BBS12-related conditions. This variant is not present in population databases (gnomAD no frequency). This sequence change replaces valine, which is neutral and non-polar, with alanine, which is neutral and non-polar, at codon 437 of the BBS12 protein (p.Val437Ala).

NM_152618.3(BBS12):c.1310T>C (p.Val437Ala)

Gene: BBS12 (Bardet-Biedl syndrome 12; plus strand). Cytogenetic location: 4q27.
Variant type: single nucleotide variant.
Coding change: c.1310T>C on transcript NM_152618.3 (MANE Select); coding-DNA position 1310, T replaced by C.
Protein change: p.Val437Ala; replaces valine 437 with alanine.
Molecular consequence: missense variant.
Genome position (GRCh38, 1-based): chr4:122,743,202, T>C. VCF-style: chr4-122743202-T-C. GRCh37 (hg19) VCF-style: chr4-123664357-T-C.
Other names: c.1310T>C, p.Val437Ala (NM_001178007.2); short protein forms V437A.
Identifiers: ClinVar variation 1380834 (VCV001380834.6), dbSNP rs2150737136, ClinGen allele CA358224845.
Genomic context (GRCh38, chr4:122,743,202, plus strand): 5'-ATGTGTCCGAACGCTTAATTGAAAAATGTATAAACAGTAAGCGGTTGGTAATCGGCTCAG[T>C]GAATGGCAGTGTGATGCAGGCTTTTGCAGAGGCTGCAGGAGCAGTACAGGTGGCCTACAT-3'
Protein context (NP_689831.2, residues 427-447): INSKRLVIGS[Val437Ala]NGSVMQAFAE